The following is an entry in ClinVar:

ClinVar aggregate classification (germline): Pathogenic/Likely pathogenic. Review status: criteria provided, multiple submitters, no conflicts (2 of 4 stars). 7 submissions from 7 submitters: Pathogenic (4); Likely pathogenic (2). 1 of the submissions does not count toward it. Last evaluated 2025-12-08.

Conditions:
DYX1C1-related disorders.
Dyslexia, susceptibility to, 1. Also called: READING DISABILITY, SPECIFIC, 1; WORD-BLINDNESS, CONGENITAL. Identifiers: MedGen C1851967, MONDO:0007487, OMIM 127700.
Primary ciliary dyskinesia 25 (CILD25). Also called: CILIARY DYSKINESIA, PRIMARY, 25, WITH OR WITHOUT SITUS INVERSUS. Identifiers: Orphanet 244, MedGen C3809641, MONDO:0014203, OMIM 615482.
Respiratory ciliopathies including non-CF bronchiectasis.

Allele frequency attached by ClinVar (database versions not stated): gnomAD 0.00001; gnomAD exomes 0.00001; ExAC 0.00002; TOPMed 0.00002.
gnomAD v4.1: 30 of 1,613,616 alleles (0.0019%); highest among the groups gnomAD compares: Non-Finnish European, 0.0024%; no homozygotes.

Submissions (7):

NHS Central & South Genomic Laboratory Hub
Classification: Pathogenic for Respiratory ciliopathies including non-CF bronchiectasis. Last evaluated: 2025-12-08. Review status: criteria provided, single submitter. Criteria: ACMG Guidelines, 2015. Collection method: clinical testing. Allele origin: germline. Affected: yes.

GeneDx
Classification: Pathogenic. Last evaluated: 2025-03-07. Review status: criteria provided, single submitter. Criteria: GeneDx Variant Classification Process June 2021. Collection method: clinical testing. Allele origin: germline. Affected: yes.
Comment: Nonsense variant predicted to result in protein truncation or nonsense mediated decay in a gene for which loss of function is a known mechanism of disease; Not observed at significant frequency in large population cohorts (gnomAD); Observed with a pathogenic variant in unrelated patients with primary ciliary dyskinesia in published literature, but it is not known whether the variants occurred on the same (in cis) or on different (in trans) chromosomes in some cases (PMID: 37860582, 23872636); This variant is associated with the following publications: (PMID: 31980526, 23872636, 37860582)

Labcorp Genetics (formerly Invitae), Labcorp
Classification: Pathogenic. Last evaluated: 2024-12-25. Review status: criteria provided, single submitter. Criteria: Invitae Variant Classification Sherloc (09022015). Collection method: clinical testing. Allele origin: germline.
Comment: This sequence change creates a premature translational stop signal (p.Arg270*) in the DNAAF4 gene. It is expected to result in an absent or disrupted protein product. Loss-of-function variants in DNAAF4 are known to be pathogenic (PMID: 23872636). This variant is present in population databases (rs397515621, gnomAD 0.003%). This premature translational stop signal has been observed in individual(s) with primary ciliary dyskinesia (PMID: 23872636). ClinVar contains an entry for this variant (Variation ID: 68448). For these reasons, this variant has been classified as Pathogenic.

Fulgent Genetics
Classification: Pathogenic for Dyslexia, susceptibility to, 1; Primary ciliary dyskinesia 25. Last evaluated: 2022-02-25. Review status: criteria provided, single submitter. Criteria: ACMG Guidelines, 2015. Collection method: clinical testing. Allele origin: unknown.

Blueprint Genetics
Classification: Likely pathogenic for DYX1C1-related disorders. Last evaluated: 2021-11-10. Review status: criteria provided, single submitter. Criteria: ACMG Guidelines, 2015. Collection method: clinical testing. Allele origin: germline. Affected: yes. Observed: 2 variant alleles.

Eurofins Ntd Llc (ga)
Classification: Likely pathogenic. Last evaluated: 2016-10-31. Review status: criteria provided, single submitter. Criteria: EGL Classification Definitions 2015. Collection method: clinical testing. Allele origin: germline. Observed: 1 variant allele, 1 heterozygote.

OMIM
Classification: Pathogenic for CILIARY DYSKINESIA, PRIMARY, 25. Last evaluated: 2013-09-01. Review status: no assertion criteria provided. Collection method: literature only. Allele origin: germline. Not counted in ClinVar's aggregate classification.

Literature cited by the submitters: PubMed 23872636 (cited by Labcorp Genetics (formerly Invitae), Labcorp and OMIM).

NM_130810.4(DNAAF4):c.808C>T (p.Arg270Ter)

Genes: DNAAF4 (dynein axonemal assembly factor 4; minus strand), DNAAF4-CCPG1 (DNAAF4-CCPG1 readthrough (NMD candidate); minus strand). Cytogenetic location: 15q21.3.
Variant type: single nucleotide variant.
Coding change: c.808C>T on transcript NM_130810.4 (MANE Select); coding-DNA position 808, C replaced by T.
Protein change: p.Arg270Ter; replaces arginine 270 with a stop codon.
Molecular consequence: nonsense. On other transcripts: non-coding transcript variant (1).
Genome position (GRCh38, 1-based): chr15:55,439,557, G>A on the plus strand (C>T on the coding strand, the complement: DNAAF4 is on the minus strand). VCF-style: chr15-55439557-G-A. GRCh37 (hg19) VCF-style: chr15-55731755-G-A.
Other names: c.808C>T, p.Arg270Ter (NM_001033559.3, NM_001033560.2); short protein forms R270*.
Identifiers: ClinVar variation 68448 (VCV000068448.19), dbSNP rs397515621, ClinGen allele CA145164.
Genomic context (GRCh38, chr15:55,439,557, plus strand): 5'-GGTTCTTTTCTTCTTCTTTTAAATCGCAAAGTTCAGCTATGTCAGTATTCATTGCTCTTC[G>A]TGCCTCAGCTTGTTTGTGTAGCCACTAGAATGAGAAAGAAGTCTTATGAAGAATAAAAAG-3'